The following is an entry in ClinVar:

NM_007103.4(NDUFV1):c.1018G>A (p.Asp340Asn)

Gene: NDUFV1 (NADH:ubiquinone oxidoreductase core subunit V1; plus strand). Cytogenetic location: 11q13.2.
Variant type: single nucleotide variant.
Coding change: c.1018G>A on transcript NM_007103.4 (MANE Select); coding-DNA position 1018, G replaced by A.
Protein change: p.Asp340Asn; replaces aspartic acid 340 with asparagine.
Molecular consequence: missense variant.
Genome position (GRCh38, 1-based): chr11:67,611,507, G>A. VCF-style: chr11-67611507-G-A. GRCh37 (hg19) VCF-style: chr11-67378978-G-A.
Other names: c.991G>A, p.Asp331Asn (NM_001166102.2); short protein forms D331N, D340N.
Identifiers: ClinVar variation 3612897 (VCV003612897.2).

ClinVar aggregate classification (germline): Uncertain significance (1 of 4 stars; one submission).

gnomAD v4.1: 8 of 1,613,550 alleles (0.0005%); highest among the groups gnomAD compares: Admixed American, 0.0033%; no homozygotes.

Submission:

Labcorp Genetics (formerly Invitae), Labcorp
Classification: Uncertain significance. Last evaluated: 2024-11-13. Review status: criteria provided, single submitter. Criteria: Invitae Variant Classification Sherloc (09022015). Collection method: clinical testing. Allele origin: germline.
Comment: This sequence change replaces aspartic acid, which is acidic and polar, with asparagine, which is neutral and polar, at codon 340 of the NDUFV1 protein (p.Asp340Asn). The frequency data for this variant in the population databases is considered unreliable, as metrics indicate poor data quality at this position in the gnomAD database. This missense change has been observed in individual(s) with Leigh syndrome (PMID: 39113384). Invitae Evidence Modeling of protein sequence and biophysical properties (such as structural, functional, and spatial information, amino acid conservation, physicochemical variation, residue mobility, and thermodynamic stability) has been performed for this missense variant. However, the output from this modeling did not meet the statistical confidence thresholds required to predict the impact of this variant on NDUFV1 protein function. In summary, the available evidence is currently insufficient to determine the role of this variant in disease. Therefore, it has been classified as a Variant of Uncertain Significance.

Literature cited by the submitters: PubMed 39113384.